The following is an entry in ClinVar:

NM_002336.3(LRP6):c.1762+5G>C

Gene: LRP6 (LDL receptor related protein 6; minus strand). Cytogenetic location: 12p13.2.
Variant type: single nucleotide variant.
Coding change: c.1762+5G>C on transcript NM_002336.3 (MANE Select); 5 bases into the intron after coding-DNA position 1762, G replaced by C.
Molecular consequence: intron variant.
Genome position (GRCh38, 1-based): chr12:12,165,074, C>G on the plus strand (G>C on the coding strand, the complement: LRP6 is on the minus strand). VCF-style: chr12-12165074-C-G. GRCh37 (hg19) VCF-style: chr12-12318008-C-G.
Other names: c.1762+5G>C (NM_001414245.1, NM_001414251.1, NM_001414246.1 and 4 more transcripts); c.1309+5G>C (NM_001414253.1, NM_001414252.1, NM_001414254.1); c.1564+5G>C (NM_001414247.1); c.1546-2655G>C (NM_001414255.1).
Identifiers: ClinVar variation 2767000 (VCV002767000.3), dbSNP rs372115607, ClinGen allele CA6455604.

ClinVar aggregate classification (germline): Uncertain significance (1 of 4 stars; one submission).

Allele frequency attached by ClinVar (database versions not stated): ExAC 0.00001; ESP Exome Variant Server 0.00008.

Submission:

Labcorp Genetics (formerly Invitae), Labcorp
Classification: Uncertain significance. Last evaluated: 2023-10-08. Review status: criteria provided, single submitter. Criteria: Invitae Variant Classification Sherloc (09022015). Collection method: clinical testing. Allele origin: germline.
Comment: This sequence change falls in intron 8 of the LRP6 gene. It does not directly change the encoded amino acid sequence of the LRP6 protein. It affects a nucleotide within the consensus splice site. This variant is present in population databases (rs372115607, gnomAD 0.01%). This variant has not been reported in the literature in individuals affected with LRP6-related conditions. Variants that disrupt the consensus splice site are a relatively common cause of aberrant splicing (PMID: 17576681, 9536098). Algorithms developed to predict the effect of sequence changes on RNA splicing suggest that this variant may disrupt the consensus splice site. In summary, the available evidence is currently insufficient to determine the role of this variant in disease. Therefore, it has been classified as a Variant of Uncertain Significance.

Literature cited by the submitters: PubMed 17576681; PubMed 9536098.